The following is an entry in ClinVar:

ClinVar aggregate classification (germline): Uncertain significance. Review status: criteria provided, multiple submitters, no conflicts (2 of 4 stars). 2 submissions from 2 submitters: Uncertain significance (2). Last evaluated 2025-11-18.

Conditions:
Colorectal cancer, hereditary nonpolyposis, type 7. Identifiers: Orphanet 144, MedGen C1858380, MONDO:0013725, OMIM 614385.

Allele frequency attached by ClinVar (database versions not stated): gnomAD exomes below 0.00001.
gnomAD v4.1: 2 of 1,613,750 alleles (0.00012%); highest among the groups gnomAD compares: Non-Finnish European, 0.00017%; no homozygotes.

Submissions (2):

Ambry Genetics
Classification: Uncertain significance. Last evaluated: 2025-11-18. Review status: criteria provided, single submitter. Criteria: Ambry Variant Classification Scheme 2023. Collection method: clinical testing. Allele origin: germline.
Comment: The p.P1453S variant (also known as c.4357C>T), located in coding exon 12 of the MLH3 gene, results from a C to T substitution at nucleotide position 4357. The proline at codon 1453 is replaced by serine, an amino acid with similar properties. This amino acid position is conserved. In addition, this alteration is predicted to be tolerated by in silico analysis. Since supporting evidence is limited at this time, the clinical significance of this alteration remains unclear.

Labcorp Genetics (formerly Invitae), Labcorp
Classification: Uncertain significance for Colorectal cancer, hereditary nonpolyposis, type 7. Last evaluated: 2021-07-22. Review status: criteria provided, single submitter. Criteria: Invitae Variant Classification Sherloc (09022015). Collection method: clinical testing. Allele origin: germline.
Comment: In summary, the available evidence is currently insufficient to determine the role of this variant in disease. Therefore, it has been classified as a Variant of Uncertain Significance. Algorithms developed to predict the effect of missense changes on protein structure and function output the following: SIFT: "Tolerated"; PolyPhen-2: "Probably Damaging"; Align-GVGD: "Class C0". The serine amino acid residue is found in multiple mammalian species, suggesting that this missense change does not adversely affect protein function. These predictions have not been confirmed by published functional studies and their clinical significance is uncertain. This variant has not been reported in the literature in individuals with MLH3-related conditions. This variant is not present in population databases (ExAC no frequency). This sequence change replaces proline with serine at codon 1453 of the MLH3 protein (p.Pro1453Ser). The proline residue is moderately conserved and there is a moderate physicochemical difference between proline and serine.

NM_001040108.2(MLH3):c.4357C>T (p.Pro1453Ser)

Gene: MLH3 (mutL homolog 3; minus strand). Cytogenetic location: 14q24.3.
Variant type: single nucleotide variant.
Coding change: c.4357C>T on transcript NM_001040108.2 (MANE Select); coding-DNA position 4357, C replaced by T.
Protein change: p.Pro1453Ser; replaces proline 1453 with serine.
Molecular consequence: missense variant.
Genome position (GRCh38, 1-based): chr14:75,017,087, G>A on the plus strand (C>T on the coding strand, the complement: MLH3 is on the minus strand). VCF-style: chr14-75017087-G-A. GRCh37 (hg19) VCF-style: chr14-75483790-G-A.
Other names: c.4357C>T (NM_001040108.1); c.4285C>T, p.Pro1429Ser (NM_014381.3); short protein forms P1453S, P1429S.
Identifiers: ClinVar variation 1389392 (VCV001389392.10), dbSNP rs1889930562, ClinGen allele CA390417443.